The following is an entry in ClinVar:

ClinVar aggregate classification (germline): Uncertain significance (1 of 4 stars; one submission).

Conditions:
Hereditary cancer-predisposing syndrome. Also called: Neoplastic Syndromes, Hereditary; Tumor predisposition; Hereditary neoplastic syndrome; Hereditary Cancer Syndrome. Identifiers: Orphanet 140162, MedGen C0027672, MeSH D009386, MONDO:0015356.

Allele frequency attached by ClinVar (database versions not stated): gnomAD exomes 0.00001; ExAC 0.00002.
gnomAD v4.1: 3 of 1,614,102 alleles (0.00019%); highest among the groups gnomAD compares: South Asian, 0.0033%; no homozygotes.

Submission:

Ambry Genetics
Classification: Uncertain significance for Hereditary cancer-predisposing syndrome. Last evaluated: 2023-10-23. Review status: criteria provided, single submitter. Criteria: Ambry Variant Classification Scheme 2023. Collection method: clinical testing. Allele origin: germline.
Comment: The p.S9F variant (also known as c.26C>T), located in coding exon 1 of the FANCC gene, results from a C to T substitution at nucleotide position 26. The serine at codon 9 is replaced by phenylalanine, an amino acid with highly dissimilar properties. This amino acid position is not well conserved in available vertebrate species. In addition, this alteration is predicted to be tolerated by in silico analysis. Since supporting evidence is limited at this time, the clinical significance of this alteration remains unclear.

NM_000136.3(FANCC):c.26C>T (p.Ser9Phe)

Gene: FANCC (FA complementation group C; minus strand). Cytogenetic location: 9q22.32.
Variant type: single nucleotide variant.
Coding change: c.26C>T on transcript NM_000136.3 (MANE Select); coding-DNA position 26, C replaced by T.
Protein change: p.Ser9Phe; replaces serine 9 with phenylalanine.
Molecular consequence: missense variant.
Genome position (GRCh38, 1-based): chr9:95,249,266, G>A on the plus strand (C>T on the coding strand, the complement: FANCC is on the minus strand). VCF-style: chr9-95249266-G-A. GRCh37 (hg19) VCF-style: chr9-98011548-G-A.
Other names: c.26C>T, p.Ser9Phe (NM_001243743.2, NM_001243744.2); short protein forms S9F.
Identifiers: ClinVar variation 3230377 (VCV003230377.1), dbSNP rs767124692, ClinGen allele CA5137848.